The following is an entry in ClinVar:

ClinVar aggregate classification (germline): Uncertain significance. Review status: criteria provided, multiple submitters, no conflicts (2 of 4 stars). 2 submissions from 2 submitters: Uncertain significance (2). Last evaluated 2022-04-06.

Conditions:
Inborn genetic diseases. Identifiers: MedGen C0950123, MeSH D030342.

Allele frequency attached by ClinVar (database versions not stated): gnomAD exomes 0.00002; ExAC 0.00004; gnomAD 0.00005; TOPMed 0.00008.
gnomAD v4.1: 41 of 1,613,414 alleles (0.0025%); highest among the groups gnomAD compares: Middle Eastern, 0.066%; no homozygotes.

Submissions (2):

Ambry Genetics
Classification: Uncertain significance for Inborn genetic diseases. Last evaluated: 2022-04-06. Review status: criteria provided, single submitter. Criteria: Ambry Variant Classification Scheme 2023. Collection method: clinical testing. Allele origin: germline.

Labcorp Genetics (formerly Invitae), Labcorp
Classification: Uncertain significance. Last evaluated: 2021-12-15. Review status: criteria provided, single submitter. Criteria: Invitae Variant Classification Sherloc (09022015). Collection method: clinical testing. Allele origin: germline.
Comment: This sequence change replaces lysine, which is basic and polar, with asparagine, which is neutral and polar, at codon 2129 of the FREM2 protein (p.Lys2129Asn). This variant is present in population databases (rs377278220, gnomAD 0.01%). This variant has not been reported in the literature in individuals affected with FREM2-related conditions. Algorithms developed to predict the effect of missense changes on protein structure and function are either unavailable or do not agree on the potential impact of this missense change (SIFT: "Deleterious"; PolyPhen-2: "Possibly Damaging"; Align-GVGD: "Class C0"). In summary, the available evidence is currently insufficient to determine the role of this variant in disease. Therefore, it has been classified as a Variant of Uncertain Significance.

NM_207361.6(FREM2):c.6387G>C (p.Lys2129Asn)

Gene: FREM2 (FRAS1 related extracellular matrix 2; plus strand). Cytogenetic location: 13q13.3.
Variant type: single nucleotide variant.
Coding change: c.6387G>C on transcript NM_207361.6 (MANE Select); coding-DNA position 6387, G replaced by C.
Protein change: p.Lys2129Asn; replaces lysine 2129 with asparagine.
Molecular consequence: missense variant.
Genome position (GRCh38, 1-based): chr13:38,850,045, G>C. VCF-style: chr13-38850045-G-C. GRCh37 (hg19) VCF-style: chr13-39424182-G-C.
Other names: c.6387G>C (NM_207361.4); short protein forms K2129N.
Identifiers: ClinVar variation 2194496 (VCV002194496.2), dbSNP rs377278220, ClinGen allele CA6955547.